The following is an entry in ClinVar:

NM_001148.6(ANK2):c.10975C>T (p.Arg3659Cys)

Gene: ANK2 (ankyrin 2; plus strand). Cytogenetic location: 4q26.
Variant type: single nucleotide variant.
Coding change: c.10975C>T on transcript NM_001148.6 (MANE Select); coding-DNA position 10975, C replaced by T.
Protein change: p.Arg3659Cys; replaces arginine 3659 with cysteine.
Molecular consequence: missense variant.
Genome position (GRCh38, 1-based): chr4:113,365,125, C>T. VCF-style: chr4-113365125-C-T. GRCh37 (hg19) VCF-style: chr4-114286281-C-T.
Other names: c.4693C>T, p.Arg1565Cys (NM_001127493.3); c.4732C>T, p.Arg1578Cys (NM_001354225.2); c.4621C>T, p.Arg1541Cys (NM_001354228.2, NM_001354258.2); c.4699C>T, p.Arg1567Cys (NM_001354230.2); c.4762C>T, p.Arg1588Cys (NM_001354231.2, NM_001354242.2); c.4756C>T, p.Arg1586Cys (NM_001354232.2); c.4717C>T, p.Arg1573Cys (NM_001354235.2, NM_001354246.2, NM_001354265.2); c.4618C>T, p.Arg1540Cys (NM_001354236.2); and 35 more; short protein forms R3659C, R1565C, R1499C, R1512C, R1519C, R1541C, R1578C, R1586C.
Identifiers: ClinVar variation 526977 (VCV000526977.9), dbSNP rs370699621, ClinGen allele CA3052172.

ClinVar aggregate classification (germline): Conflicting classifications of pathogenicity. Review status: criteria provided, conflicting classifications (1 of 4 stars). 3 submissions from 3 submitters: Uncertain significance (2); Likely benign (1). Last evaluated 2025-01-21.

Conditions:
Cardiac arrhythmia, ankyrin-B-related. Also called: ANKYRIN-B SYNDROME. Identifiers: Orphanet 101016, Orphanet 768, MedGen C1970119, MONDO:0010958, OMIM 600919.
Cardiovascular phenotype. Identifiers: MedGen CN230736.
Long QT syndrome (LQTS). Identifiers: MedGen C0023976, MeSH D008133, MONDO:0002442. Disease mechanism: loss of function. Inheritance: Various modes of inheritance.

Allele frequency attached by ClinVar (database versions not stated): ExAC 0.00002; gnomAD exomes 0.00002; ESP Exome Variant Server 0.00008; TOPMed 0.00008; gnomAD 0.00009; 1000 Genomes Project 0.00020; 1000 Genomes Project 30x 0.00031.
gnomAD v4.1: 35 of 1,613,864 alleles (0.0022%); highest among the groups gnomAD compares: African/African-American, 0.032%; no homozygotes.

Submissions (3):

Ambry Genetics
Classification: Likely benign for Cardiovascular phenotype. Last evaluated: 2025-01-21. Review status: criteria provided, single submitter. Criteria: Ambry Variant Classification Scheme 2023. Collection method: clinical testing. Allele origin: germline.

Labcorp Genetics (formerly Invitae), Labcorp
Classification: Uncertain significance for Long QT syndrome. Last evaluated: 2024-12-06. Review status: criteria provided, single submitter. Criteria: Invitae Variant Classification Sherloc (09022015). Collection method: clinical testing. Allele origin: germline.
Comment: This sequence change replaces arginine, which is basic and polar, with cysteine, which is neutral and slightly polar, at codon 3659 of the ANK2 protein (p.Arg3659Cys). This variant is present in population databases (rs370699621, gnomAD 0.03%). This variant has not been reported in the literature in individuals affected with ANK2-related conditions. ClinVar contains an entry for this variant (Variation ID: 526977). Invitae Evidence Modeling of protein sequence and biophysical properties (such as structural, functional, and spatial information, amino acid conservation, physicochemical variation, residue mobility, and thermodynamic stability) indicates that this missense variant is not expected to disrupt ANK2 protein function with a negative predictive value of 80%. In summary, the available evidence is currently insufficient to determine the role of this variant in disease. Therefore, it has been classified as a Variant of Uncertain Significance.

Fulgent Genetics
Classification: Uncertain significance for Cardiac arrhythmia, ankyrin-B-related. Last evaluated: 2021-10-05. Review status: criteria provided, single submitter. Criteria: ACMG Guidelines, 2015. Collection method: clinical testing. Allele origin: unknown.